The following is an entry in ClinVar:

NM_012213.3(MLYCD):c.907C>A (p.Leu303Met)

Genes: MLYCD (malonyl-CoA decarboxylase; plus strand), LOC126862422 (CDK7 strongly-dependent group 2 enhancer GRCh37_chr16:83945234-83946433; plus strand). Cytogenetic location: 16q23.3.
Variant type: single nucleotide variant.
Coding change: c.907C>A on transcript NM_012213.3 (MANE Select); coding-DNA position 907, C replaced by A.
Protein change: p.Leu303Met; replaces leucine 303 with methionine.
Molecular consequence: missense variant.
Genome position (GRCh38, 1-based): chr16:83,912,326, C>A. VCF-style: chr16-83912326-C-A. GRCh37 (hg19) VCF-style: chr16-83945931-C-A.
Other names: short protein forms L303M.
Identifiers: ClinVar variation 1413431 (VCV001413431.3), dbSNP rs766903457, ClinGen allele CA8197426.

ClinVar aggregate classification (germline): Uncertain significance (1 of 4 stars; one submission).

Conditions:
Deficiency of malonyl-CoA decarboxylase. Also called: Malonic aciduria; MCD deficiency. Identifiers: Orphanet 943, MedGen C0342793, MONDO:0009556, OMIM 248360.

Allele frequency attached by ClinVar (database versions not stated): gnomAD 0.00001; ExAC 0.00002; gnomAD exomes 0.00002; TOPMed 0.00002.

Submission:

Labcorp Genetics (formerly Invitae), Labcorp
Classification: Uncertain significance for Deficiency of malonyl-CoA decarboxylase. Last evaluated: 2021-12-03. Review status: criteria provided, single submitter. Criteria: Invitae Variant Classification Sherloc (09022015). Collection method: clinical testing. Allele origin: germline.
Comment: This sequence change replaces leucine, which is neutral and non-polar, with methionine, which is neutral and non-polar, at codon 303 of the MLYCD protein (p.Leu303Met). This variant is present in population databases (rs766903457, gnomAD 0.006%). This variant has not been reported in the literature in individuals affected with MLYCD-related conditions. Algorithms developed to predict the effect of missense changes on protein structure and function are either unavailable or do not agree on the potential impact of this missense change (SIFT: "Deleterious"; PolyPhen-2: "Probably Damaging"; Align-GVGD: "Class C0"). In summary, the available evidence is currently insufficient to determine the role of this variant in disease. Therefore, it has been classified as a Variant of Uncertain Significance.